The following is an entry in ClinVar:

NM_000260.4(MYO7A):c.2005C>T (p.Arg669Ter)

Gene: MYO7A (myosin VIIA; plus strand). Cytogenetic location: 11q13.5.
Variant type: single nucleotide variant.
Coding change: c.2005C>T on transcript NM_000260.4 (MANE Select); coding-DNA position 2005, C replaced by T.
Protein change: p.Arg669Ter; replaces arginine 669 with a stop codon.
Molecular consequence: nonsense.
Genome position (GRCh38, 1-based): chr11:77,174,825, C>T. VCF-style: chr11-77174825-C-T. GRCh37 (hg19) VCF-style: chr11-76885871-C-T.
Other names: c.2005C>T, p.Arg669Ter (NM_001127180.2); c.1972C>T, p.Arg658Ter (NM_001369365.1); short protein forms R669*, R658*.
Identifiers: ClinVar variation 43169 (VCV000043169.66), dbSNP rs111033201, ClinGen allele CA278640.

ClinVar aggregate classification (germline): Pathogenic. Review status: criteria provided, multiple submitters, no conflicts (2 of 4 stars). 13 submissions from 12 submitters: Pathogenic (10). 3 of the submissions do not count toward it. Last evaluated 2025-12-03.

Conditions:
MYO7A-related disorder. Also called: MYO7A-related disorders.
Rare genetic deafness. Identifiers: Orphanet 96210, MedGen C5680250.
Usher syndrome. Also called: Usher Syndromes; Usher's syndrome. Identifiers: Orphanet 886, MedGen CN469326, MeSH D052245, MONDO:0019501. Disease mechanism: loss of function.
Usher syndrome type 1 (USH1). Also called: RETINITIS PIGMENTOSA AND CONGENITAL DEAFNESS. Identifiers: Orphanet 231169, Orphanet 886, MedGen C1568247, MONDO:0010168, OMIM 276900.
Autosomal dominant nonsyndromic hearing loss 11. Identifiers: Orphanet 90635, MedGen C1832475, MONDO:0011032, OMIM 601317.
Autosomal recessive nonsyndromic hearing loss 2. Also called: NEUROSENSORY NONSYNDROMIC RECESSIVE DEAFNESS 2; DEAFNESS, AUTOSOMAL RECESSIVE 2. Identifiers: Orphanet 90636, MedGen C1838701, MONDO:0010807, OMIM 600060.
Usher syndrome type 1B (USH1B). Also called: Usher syndrome type IB. Identifiers: MedGen C1848638, MONDO:0700087.

Allele frequency attached by ClinVar (database versions not stated): gnomAD 0.00001 and 0.00002; TOPMed 0.00004; ESP Exome Variant Server 0.00008.
gnomAD v4.1: 112 of 1,613,288 alleles (0.0069%); highest among the groups gnomAD compares: Non-Finnish European, 0.0087%; no homozygotes.

Submissions (13):

Labcorp Genetics (formerly Invitae), Labcorp
Classification: Pathogenic. Last evaluated: 2025-12-03. Review status: criteria provided, single submitter. Criteria: Invitae Variant Classification Sherloc (09022015). Collection method: clinical testing. Allele origin: germline.
Comment: This sequence change creates a premature translational stop signal (p.Arg669*) in the MYO7A gene. It is expected to result in an absent or disrupted protein product. Loss-of-function variants in MYO7A are known to be pathogenic (PMID: 8900236, 25404053). This variant is present in population databases (rs111033201, gnomAD 0.005%). This premature translational stop signal has been observed in individual(s) with autosomal recessive Usher syndrome or non-syndromic deafness (PMID: 21436283, 21569298, 25333064, 25788563, 27460420, 28041643). ClinVar contains an entry for this variant (Variation ID: 43169). For these reasons, this variant has been classified as Pathogenic.

PreventionGenetics, part of Exact Sciences
Classification: Pathogenic for MYO7A-related condition. Last evaluated: 2025-11-25. Review status: criteria provided, single submitter. Criteria: ACMG Guidelines, 2015. Collection method: clinical testing. Allele origin: germline.
Comment: The MYO7A c.2005C>T variant is predicted to result in premature protein termination (p.Arg669*). This variant has been reported as causative in multiple individuals with autosomal recessive Usher syndrome type 1B (see, for example, Roux et al. 2011. PubMed ID: 21436283; supplementary data, Bonnet et al. 2016. PubMed ID: 27460420; supplementary data, Carss et al. 2017. PubMed ID: 28041643; supplementary data, Khateb et al. 2019. PubMed ID: 31479088). This variant is reported in 0.0039% of alleles in individuals of European (Non-Finnish) descent in gnomAD. Nonsense variants in MYO7A are expected to be pathogenic for autosomal recessive disease. This variant is interpreted as pathogenic.

Natera, Inc.
Classification: Pathogenic for Usher syndrome type 1B. Last evaluated: 2025-11-17. Review status: criteria provided, single submitter. Criteria: Natera Variant Classification Schema (03/2026). Collection method: clinical testing. Allele origin: germline.
Comment: The c.2005C>T variant in MYO7A is a nonsense variant predicted to introduce a stop codon at amino acid 669. This variant is expected to result in nonsense mediated decay, truncation, or a dysfunctional protein product. This variant is rare in the general population with a frequency below the threshold expected for the associated phenotype(s). This variant has been observed in one or more individuals affected with the associated recessive disease, as either homozygous or compound heterozygous with a second variant (PMID: 21436283, 27460420). Given the available evidence, this variant is classified as Pathogenic.

Variantyx, Inc.
Classification: Pathogenic for Usher syndrome type 1. Last evaluated: 2025-04-09. Review status: criteria provided, single submitter. Criteria: Variantyx Assertion Criteria 2022. Collection method: clinical testing. Allele origin: germline. Inheritance: Autosomal recessive inheritance. Affected: yes.
Comment: This is a nonsense variant in the MYO7A gene (OMIM: 276903). Pathogenic variants in this gene have been associated with autosomal recessive Usher syndrome type IB. This variant introduces a premature termination codon in exon 17 out of 49 and is expected to result in loss of function, which is a known disease mechanism for MYO7A in this disorder (PMID: 8900236, 25404053) (PVS1). This variant has been reported in the homozygous or compound heterozygous state in at least 3 unrelated affected individuals (PMID: 21436283, 21569298, 25333064) (PM3). It has a 0.0087% maximum allele frequency in non-founder control populations (PM2). Based on the current evidence, this variant is classified as pathogenic for autosomal recessive Usher syndrome type IB.

Blueprint Genetics
Classification: Pathogenic for MYO7A-related disorders. Last evaluated: 2024-04-04. Review status: criteria provided, single submitter. Criteria: ACMG Guidelines, 2015. Collection method: clinical testing. Allele origin: germline. Affected: yes. Observed: 5 variant alleles.

GeneDx
Classification: Pathogenic. Last evaluated: 2020-12-02. Review status: criteria provided, single submitter. Criteria: GeneDx Variant Classification Process June 2021. Collection method: clinical testing. Allele origin: germline. Affected: yes.
Comment: Nonsense variant predicted to result in protein truncation or nonsense mediated decay in a gene for which loss-of-function is a known mechanism of disease; This variant is associated with the following publications: (PMID: 32581362, 31266775, 31479088, 29892088, 27460420, 25333064, 25468891, 21436283, 21569298, 21873662, 9718356, 25525159)

CeGaT Center for Human Genetics Tuebingen
Classification: Pathogenic. Last evaluated: 2019-08-01. Review status: criteria provided, single submitter. Criteria: CeGaT Center For Human Genetics Tuebingen Variant Classification Criteria Version 2. Collection method: clinical testing. Allele origin: germline. Affected: yes. Observed: 1 variant allele.

Fulgent Genetics
Classification: Pathogenic for Usher syndrome type 1; Autosomal recessive nonsyndromic hearing loss 2; Autosomal dominant nonsyndromic hearing loss 11. Last evaluated: 2018-10-31. Review status: criteria provided, single submitter. Criteria: ACMG Guidelines, 2015. Collection method: clinical testing. Allele origin: unknown.

Eurofins Ntd Llc (ga)
Classification: Pathogenic. Last evaluated: 2018-06-29. Review status: criteria provided, single submitter. Criteria: EGL ClinVar v180209 classification definitions. Collection method: clinical testing. Allele origin: germline. Observed: 1 variant allele, 1 heterozygote.

Laboratory for Molecular Medicine, Mass General Brigham Personalized Medicine
Classification: Pathogenic for Rare genetic deafness. Last evaluated: 2013-11-22. Review status: criteria provided, single submitter. Criteria: LMM Criteria. Collection method: clinical testing. Allele origin: germline. Observed: 5 variant alleles.
Comment: The p.Arg669X variant in MYO7A has been previously reported in at least 4 indivi duals with Usher syndrome (Bonnet 2011, Roux 2011, LMM-unpublished data). It has also been identified in 0.003% (5/127112) of European chromosomes by gnomAD, though this frequency in the general population is consistent with a recessive carrier frequency. This nonsense variant leads t o a premature termination codon at position 669, which is predicted to lead to a truncated or absent protein. In summary, this variant meets criteria to be clas sified as pathogenic for autosomal recessive Usher syndrome. ACMG/AMP criteria a pplied: PVS1, PM2, PM3.

Counsyl
Classification: Likely pathogenic for Usher syndrome type 1. Last evaluated: 2016-11-02. Review status: no assertion criteria provided. Collection method: clinical testing. Allele origin: unknown. Not counted in ClinVar's aggregate classification.

Counsyl
Classification: Likely pathogenic for Autosomal recessive nonsyndromic hearing loss 2. Last evaluated: 2016-11-02. Review status: no assertion criteria provided. Collection method: clinical testing. Allele origin: unknown. Not counted in ClinVar's aggregate classification.

NIHR Bioresource Rare Diseases, University of Cambridge
Classification: Pathogenic for Usher syndrome. Last evaluated: 2015-01-01. Review status: no assertion criteria provided. Collection method: research. Allele origin: unknown. Affected: yes. Observed: 2 variant alleles. Not counted in ClinVar's aggregate classification.

Literature cited by the submitters: PubMed 8900236 (cited by Labcorp Genetics (formerly Invitae), Labcorp and Variantyx, Inc.); PubMed 25404053 (cited by Labcorp Genetics (formerly Invitae), Labcorp and Variantyx, Inc.); PubMed 21436283 (cited by 4 submitters); PubMed 21569298 (cited by 4 submitters); PubMed 25333064 (cited by 3 submitters); PubMed 25788563 (cited by Labcorp Genetics (formerly Invitae), Labcorp); PubMed 27460420 (cited by 3 submitters); PubMed 28041643 (cited by Labcorp Genetics (formerly Invitae), Labcorp and NIHR Bioresource Rare Diseases, University of Cambridge); PubMed 9718356 (cited by 3 submitters).